The following is an entry in ClinVar:

NM_173076.3(ABCA12):c.7102G>A (p.Glu2368Lys)

Genes: ABCA12 (ATP binding cassette subfamily A member 12; minus strand), SNHG31 (small nucleolar RNA host gene 31; plus strand). Cytogenetic location: 2q35.
Variant type: single nucleotide variant.
Coding change: c.7102G>A on transcript NM_173076.3 (MANE Select); coding-DNA position 7102, G replaced by A.
Protein change: p.Glu2368Lys; replaces glutamic acid 2368 with lysine.
Molecular consequence: missense variant. On other transcripts: non-coding transcript variant (1).
Genome position (GRCh38, 1-based): chr2:214,948,598, C>T on the plus strand (G>A on the coding strand, the complement: ABCA12 is on the minus strand). VCF-style: chr2-214948598-C-T. GRCh37 (hg19) VCF-style: chr2-215813322-C-T.
Other names: c.6148G>A, p.Glu2050Lys (NM_015657.4); short protein forms E2050K, E2368K.
Identifiers: ClinVar variation 899202 (VCV000899202.5), dbSNP rs376611510, ClinGen allele CA2090750.

ClinVar aggregate classification (germline): Uncertain significance. Review status: criteria provided, multiple submitters, no conflicts (2 of 4 stars). 2 submissions from 2 submitters: Uncertain significance (2). Last evaluated 2022-04-12.

Conditions:
Congenital ichthyosis of skin. Identifiers: MedGen C0020758.

Allele frequency attached by ClinVar (database versions not stated): ExAC 0.00007; gnomAD exomes 0.00007 and 0.00016; ESP Exome Variant Server 0.00008; gnomAD 0.00014 and 0.00015; TOPMed 0.00020.

Submissions (2):

Labcorp Genetics (formerly Invitae), Labcorp
Classification: Uncertain significance. Last evaluated: 2022-04-12. Review status: criteria provided, single submitter. Criteria: Invitae Variant Classification Sherloc (09022015). Collection method: clinical testing. Allele origin: germline.
Comment: This sequence change replaces glutamic acid, which is acidic and polar, with lysine, which is basic and polar, at codon 2368 of the ABCA12 protein (p.Glu2368Lys). This variant is present in population databases (rs376611510, gnomAD 0.02%). This variant has not been reported in the literature in individuals affected with ABCA12-related conditions. ClinVar contains an entry for this variant (Variation ID: 899202). Algorithms developed to predict the effect of missense changes on protein structure and function (SIFT, PolyPhen-2, Align-GVGD) all suggest that this variant is likely to be tolerated. In summary, the available evidence is currently insufficient to determine the role of this variant in disease. Therefore, it has been classified as a Variant of Uncertain Significance.

Illumina Laboratory Services, Illumina
Classification: Uncertain significance for Congenital ichthyosis of skin. Last evaluated: 2018-01-12. Review status: criteria provided, single submitter. Criteria: ICSL Variant Classification Criteria 13 December 2019. Collection method: clinical testing. Allele origin: germline.